The following is an entry in ClinVar:

NM_001351661.2(MACROD2):c.1004C>T (p.Thr335Met)

Gene: MACROD2 (mono-ADP ribosylhydrolase 2; plus strand). Cytogenetic location: 20p12.1.
Variant type: single nucleotide variant.
Coding change: c.1004C>T on transcript NM_001351661.2 (MANE Select); coding-DNA position 1004, C replaced by T.
Protein change: p.Thr335Met; replaces threonine 335 with methionine.
Molecular consequence: missense variant.
Genome position (GRCh38, 1-based): chr20:15,986,745, C>T. VCF-style: chr20-15986745-C-T. GRCh37 (hg19) VCF-style: chr20-15967390-C-T.
Other names: c.1004C>T, p.Thr335Met (NM_001033086.1, NM_001351663.2, NM_080676.6); c.299C>T, p.Thr100Met (NM_001033087.2); c.380C>T, p.Thr127Met (NM_001351664.2); short protein forms T100M, T127M, T335M.
Identifiers: ClinVar variation 3056646 (VCV003056646.2), dbSNP rs41275442, ClinGen allele CA9769501.

ClinVar aggregate classification (germline): Benign (0 of 4 stars; one submission).

Conditions:
MACROD2-related disorder. Also called: MACROD2-related condition.

Allele frequency attached by ClinVar (database versions not stated): 1000 Genomes Project 30x 0.07542; 1000 Genomes Project 0.07668; TOPMed 0.12457; gnomAD 0.12498; ExAC 0.13440; ESP Exome Variant Server 0.13824; gnomAD exomes 0.16363.
gnomAD v4.1: 256,921 of 1,607,084 alleles (16%); highest among the groups gnomAD compares: Middle Eastern, 19%; 22,875 homozygotes.

Submission:

PreventionGenetics, part of Exact Sciences
Classification: Benign for MACROD2-related condition. Last evaluated: 2019-10-17. Review status: no assertion criteria provided. Collection method: clinical testing. Allele origin: germline.
Comment: This variant is classified as benign based on ACMG/AMP sequence variant interpretation guidelines (Richards et al. 2015 PMID: 25741868, with internal and published modifications).